The following is an entry in ClinVar:

NM_001111125.3(IQSEC2):c.1402G>C (p.Val468Leu)

Gene: IQSEC2 (IQ motif and Sec7 domain ArfGEF 2; minus strand). Cytogenetic location: Xp11.22.
Variant type: single nucleotide variant.
Coding change: c.1402G>C on transcript NM_001111125.3 (MANE Select); coding-DNA position 1402, G replaced by C.
Protein change: p.Val468Leu; replaces valine 468 with leucine.
Molecular consequence: missense variant.
Genome position (GRCh38, 1-based): chrX:53,251,174, C>G on the plus strand (G>C on the coding strand, the complement: IQSEC2 is on the minus strand). VCF-style: chrX-53251174-C-G. GRCh37 (hg19) VCF-style: chrX-53280356-C-G.
Other names: c.1402G>C (NM_001111125.1); c.1402G>C, p.Val468Leu (NM_001410736.1); c.787G>C, p.Val263Leu (NM_015075.2); short protein forms V263L, V468L.
Identifiers: ClinVar variation 1716782 (VCV001716782.7), dbSNP rs2519812315, ClinGen allele CA413166924.

ClinVar aggregate classification (germline): Uncertain significance. Review status: criteria provided, multiple submitters, no conflicts (2 of 4 stars). 2 submissions from 2 submitters: Uncertain significance (2). Last evaluated 2024-05-16.

Conditions:
Intellectual developmental disorder, X-linked 1. Also called: MENTAL RETARDATION, X-LINKED 18; MENTAL RETARDATION, X-LINKED 78; Intellectual disability, X-linked 1; Atkin Flaitz Patil Smith syndrome. Identifiers: Orphanet 777, MedGen C2931498, MONDO:0010656, OMIM 309530.

Submissions (2):

GeneDx
Classification: Uncertain significance. Last evaluated: 2024-05-16. Review status: criteria provided, single submitter. Criteria: GeneDx Variant Classification Process June 2021. Collection method: clinical testing. Allele origin: germline. Affected: yes.
Comment: Not observed at significant frequency in large population cohorts (gnomAD); In silico analysis supports that this missense variant has a deleterious effect on protein structure/function; Has not been previously published as pathogenic or benign to our knowledge

Labcorp Genetics (formerly Invitae), Labcorp
Classification: Uncertain significance for Intellectual developmental disorder, X-linked 1. Last evaluated: 2022-08-19. Review status: criteria provided, single submitter. Criteria: Invitae Variant Classification Sherloc (09022015). Collection method: clinical testing. Allele origin: germline.
Comment: In summary, the available evidence is currently insufficient to determine the role of this variant in disease. Therefore, it has been classified as a Variant of Uncertain Significance. Algorithms developed to predict the effect of missense changes on protein structure and function are either unavailable or do not agree on the potential impact of this missense change (SIFT: "Tolerated"; PolyPhen-2: "Probably Damaging"; Align-GVGD: "Class C0"). This variant has not been reported in the literature in individuals affected with IQSEC2-related conditions. This variant is not present in population databases (gnomAD no frequency). This sequence change replaces valine, which is neutral and non-polar, with leucine, which is neutral and non-polar, at codon 468 of the IQSEC2 protein (p.Val468Leu).